The following is an entry in ClinVar:

NM_000051.4(ATM):c.3751T>C (p.Cys1251Arg)

Gene: ATM (ATM serine/threonine kinase; plus strand). Cytogenetic location: 11q22.3.
Variant type: single nucleotide variant.
Coding change: c.3751T>C on transcript NM_000051.4 (MANE Select); coding-DNA position 3751, T replaced by C.
Protein change: p.Cys1251Arg; replaces cysteine 1251 with arginine.
Molecular consequence: missense variant.
Genome position (GRCh38, 1-based): chr11:108,284,231, T>C. VCF-style: chr11-108284231-T-C. GRCh37 (hg19) VCF-style: chr11-108154958-T-C.
Other names: c.3751T>C, p.Cys1251Arg (NM_001351834.2); short protein forms C1251R.
Identifiers: ClinVar variation 453491 (VCV000453491.14), dbSNP rs763730862, ClinGen allele CA6265348.

ClinVar aggregate classification (germline): Uncertain significance. Review status: criteria provided, multiple submitters, no conflicts (2 of 4 stars). 3 submissions from 3 submitters: Uncertain significance (3). Last evaluated 2024-08-13.

Conditions:
Hereditary cancer-predisposing syndrome. Also called: Tumor predisposition; Hereditary Cancer Syndrome; Neoplastic Syndromes, Hereditary; Hereditary neoplastic syndrome. Identifiers: Orphanet 140162, MedGen C0027672, MeSH D009386, MONDO:0015356.
Ataxia-telangiectasia syndrome (AT). Also called: Cerebello-oculocutaneous telangiectasia; Immunodeficiency with ataxia telangiectasia; Ataxia-telangiectasia, complementation group D; AT, COMPLEMENTATION GROUP C; Ataxia-telangiectasia, complementation group E; LOUIS-BAR SYNDROME. Identifiers: Orphanet 100, MedGen C0004135, MONDO:0008840, OMIM 208900.

Allele frequency attached by ClinVar (database versions not stated): gnomAD exomes below 0.00001; ExAC 0.00001.
gnomAD v4.1: 1 of 1,605,922 alleles (0.000062%); highest among the groups gnomAD compares: South Asian, 0.0011%; no homozygotes.

Submissions (3):

Labcorp Genetics (formerly Invitae), Labcorp
Classification: Uncertain significance for Ataxia-telangiectasia syndrome. Last evaluated: 2024-08-13. Review status: criteria provided, single submitter. Criteria: Invitae Variant Classification Sherloc (09022015). Collection method: clinical testing. Allele origin: germline.
Comment: This sequence change replaces cysteine, which is neutral and slightly polar, with arginine, which is basic and polar, at codon 1251 of the ATM protein (p.Cys1251Arg). This variant is present in population databases (rs763730862, gnomAD 0.003%). This variant has not been reported in the literature in individuals affected with ATM-related conditions. ClinVar contains an entry for this variant (Variation ID: 453491). An algorithm developed to predict the effect of missense changes on protein structure and function (PolyPhen-2) suggests that this variant is likely to be tolerated. In summary, the available evidence is currently insufficient to determine the role of this variant in disease. Therefore, it has been classified as a Variant of Uncertain Significance.

Ambry Genetics
Classification: Uncertain significance for Hereditary cancer-predisposing syndrome. Last evaluated: 2023-02-13. Review status: criteria provided, single submitter. Criteria: Ambry Variant Classification Scheme 2023. Collection method: clinical testing. Allele origin: germline.
Comment: The p.C1251R variant (also known as c.3751T>C), located in coding exon 25 of the ATM gene, results from a T to C substitution at nucleotide position 3751. The cysteine at codon 1251 is replaced by arginine, an amino acid with highly dissimilar properties. This amino acid position is well conserved in available vertebrate species. In addition, the in silico prediction for this alteration is inconclusive. Since supporting evidence is limited at this time, the clinical significance of this alteration remains unclear.

Color Diagnostics, LLC DBA Color Health
Classification: Uncertain significance for Hereditary cancer-predisposing syndrome. Last evaluated: 2019-06-04. Review status: criteria provided, single submitter. Criteria: ACMG Guidelines, 2015. Collection method: clinical testing. Allele origin: germline.